The following is an entry in ClinVar:

ClinVar aggregate classification (germline): Uncertain significance (1 of 4 stars; one submission).

Submission:

GeneDx
Classification: Uncertain significance. Last evaluated: 2023-01-25. Review status: criteria provided, single submitter. Criteria: GeneDx Variant Classification Process June 2021. Collection method: clinical testing. Allele origin: germline. Affected: yes.
Comment: Not observed at significant frequency in large population cohorts (gnomAD); In silico analysis supports that this missense variant has a deleterious effect on protein structure/function; Has not been previously published as pathogenic or benign to our knowledge

NM_000168.6(GLI3):c.1577C>T (p.Pro526Leu)

Gene: GLI3 (GLI family zinc finger 3; minus strand). Cytogenetic location: 7p14.1.
Variant type: single nucleotide variant.
Coding change: c.1577C>T on transcript NM_000168.6 (MANE Select); coding-DNA position 1577, C replaced by T.
Protein change: p.Pro526Leu; replaces proline 526 with leucine.
Molecular consequence: missense variant.
Genome position (GRCh38, 1-based): chr7:41,978,669, G>A on the plus strand (C>T on the coding strand, the complement: GLI3 is on the minus strand). VCF-style: chr7-41978669-G-A. GRCh37 (hg19) VCF-style: chr7-42018268-G-A.
Other names: short protein forms P526L.
Identifiers: ClinVar variation 2574415 (VCV002574415.1), dbSNP rs2484450040, ClinGen allele CA367325578.